The following is an entry in ClinVar:

ClinVar aggregate classification (germline): Likely benign (1 of 4 stars; one submission).

Submission:

CeGaT Center for Human Genetics Tuebingen
Classification: Likely benign. Last evaluated: 2023-01-01. Review status: criteria provided, single submitter. Criteria: CeGaT Center For Human Genetics Tuebingen Variant Classification Criteria Version 2. Collection method: clinical testing. Allele origin: germline. Affected: yes. Observed: 1 variant allele.
Comment: UBE3A: PM2:Supporting, BP4, BP7

NM_130839.5(UBE3A):c.645A>C (p.Ser215=)

Genes: SNHG14 (small nucleolar RNA host gene 14; plus strand), UBE3A (ubiquitin protein ligase E3A; minus strand). Cytogenetic location: 15q11.2.
Variant type: single nucleotide variant.
Coding change: c.645A>C on transcript NM_130839.5 (MANE Select); coding-DNA position 645, A replaced by C.
Protein change: p.Ser215=; no amino-acid change (serine 215 retained).
Molecular consequence: synonymous variant. On other transcripts: non-coding transcript variant (1), intron variant (2).
Genome position (GRCh38, 1-based): chr15:25,371,529, T>G on the plus strand (A>C on the coding strand, the complement: UBE3A is on the minus strand). VCF-style: chr15-25371529-T-G. GRCh37 (hg19) VCF-style: chr15-25616676-T-G.
Other names: c.585A>C, p.Ser195= (NM_130838.4, NM_001354548.2, NM_001354549.2 and 17 more transcripts); c.301+3936A>C (NM_001354551.2); c.361+3936A>C (NM_001354550.2); c.654A>C, p.Ser218= (NM_000462.5); c.645A>C, p.Ser215= (NM_001354505.1, NM_001354538.2, NM_001354545.2); c.468A>C, p.Ser156= (NM_001354546.2).
Identifiers: ClinVar variation 2645014 (VCV002645014.24), dbSNP rs2552191758, ClinGen allele CA489232707.
Genomic context (GRCh38, chr15:25,371,529, plus strand): 5'-GGCATCAATATCCACAGACACATCATCAGGGCCTAATTTTTGCAAATTGTTGTCTCCCTG[T>G]GAGCTATCACCTATCCTTGAGGAAGATGCTTCTGAGTCTTCTTCCATAGCAGCAGCAGAA-3'
Protein context (NP_570854.1, residues 205-225): EASSSRIGDS[Ser215=]QGDNNLQKLG